The following is an entry in ClinVar:

NM_004700.4(KCNQ4):c.821T>A (p.Leu274His)

Gene: KCNQ4 (potassium voltage-gated channel subfamily Q member 4; plus strand). Cytogenetic location: 1p34.2.
Variant type: single nucleotide variant.
Coding change: c.821T>A on transcript NM_004700.4 (MANE Select); coding-DNA position 821, T replaced by A.
Protein change: p.Leu274His; replaces leucine 274 with histidine.
Molecular consequence: missense variant.
Genome position (GRCh38, 1-based): chr1:40,819,459, T>A. VCF-style: chr1-40819459-T-A. GRCh37 (hg19) VCF-style: chr1-41285131-T-A.
Other names: c.821T>A, p.Leu274His (NM_172163.3); short protein forms L274H.
Identifiers: ClinVar variation 6247 (VCV000006247.3), dbSNP rs80358276, ClinGen allele CA340538.

ClinVar aggregate classification (germline): Pathogenic. Review status: no assertion criteria provided (0 of 4 stars). 2 submissions from 2 submitters: Pathogenic (2). Last evaluated 2015-08-20.

Conditions:
Autosomal dominant nonsyndromic hearing loss 2A. Also called: DFNA2 Nonsyndromic Hearing Loss; Autosomal dominant nonsyndromic deafness 2A; Deafness, autosomal dominant 2A. Identifiers: Orphanet 90635, MedGen C2677637, MONDO:0010817, OMIM 600101.

Submissions (2):

ClinVar Staff, National Center for Biotechnology Information (NCBI)
Classification: Pathogenic for Autosomal dominant nonsyndromic hearing loss 2A. Last evaluated: 2015-08-20. Review status: no assertion criteria provided. Collection method: literature only. Allele origin: germline. Affected: yes.
Comment: This variant used to be reported in GeneReviews NBK1209.

OMIM
Classification: Pathogenic for DEAFNESS, AUTOSOMAL DOMINANT 2A. Last evaluated: 2011-01-14. Review status: no assertion criteria provided. Collection method: literature only. Allele origin: germline.

Literature cited by the submitters: PubMed 26036578 (cited by ClinVar Staff, National Center for Biotechnology Information (NCBI)); PubMed 20301388 (cited by ClinVar Staff, National Center for Biotechnology Information (NCBI)); PubMed 10925378 (cited by OMIM); PubMed 20966080 (cited by OMIM).